The following is an entry in ClinVar:

NC_000005.9:g.(?_13727596)_(13777484_?)dup

Genes: DNAH5 (dynein axonemal heavy chain 5; minus strand), LOC107457585 (meiotic recombination hotspot J; plus strand). Cytogenetic location: 5p15.2.
Variant type: Duplication.
Identifiers: ClinVar variation 454500 (VCV000454500.15).

ClinVar aggregate classification (germline): Pathogenic (1 of 4 stars; one submission).

Conditions:
Primary ciliary dyskinesia. Also called: Ciliary dyskinesia. Identifiers: Orphanet 244, MedGen C0008780, MONDO:0016575, HP:0012265.

Submission:

Labcorp Genetics (formerly Invitae), Labcorp
Classification: Pathogenic for Primary ciliary dyskinesia. Last evaluated: 2020-10-22. Review status: criteria provided, single submitter. Criteria: Invitae Variant Classification Sherloc (09022015). Collection method: clinical testing. Allele origin: germline.
Comment: For these reasons, this variant has been classified as Pathogenic. Loss-of-function variants in DNAH5 are known to be pathogenic (PMID: 11788826, 16627867). This variant has been observed in individual(s) with primary ciliary dyskinesia (Invitae). In at least one individual the data is consistent with the variant being in trans (on the opposite chromosome) from a pathogenic variant. This variant results in a copy number gain of the genomic region encompassing exon(s) 54-70 of the DNAH5 gene. While the exact position of this variant cannot be determined from the data, sub-genic copy number gains are generally in tandem (PMID: 25640679). This variant is predicted to be out-of-frame, and may result in an absent or disrupted protein product.

Literature cited by the submitters: PubMed 11788826; PubMed 16627867; PubMed 25640679.